The following is an entry in ClinVar:

ClinVar aggregate classification (germline): Uncertain significance. Review status: criteria provided, multiple submitters, no conflicts (2 of 4 stars). 2 submissions from 2 submitters: Uncertain significance (2). Last evaluated 2025-01-09.

Conditions:
Inborn genetic diseases. Identifiers: MedGen C0950123, MeSH D030342.

gnomAD v4.1: 6 of 1,613,866 alleles (0.00037%); highest among the groups gnomAD compares: South Asian, 0.0011%; no homozygotes.

Submissions (2):

Ambry Genetics
Classification: Uncertain significance for Inborn genetic diseases. Last evaluated: 2025-01-09. Review status: criteria provided, single submitter. Criteria: Ambry Variant Classification Scheme 2023. Collection method: clinical testing. Allele origin: germline.

Labcorp Genetics (formerly Invitae), Labcorp
Classification: Uncertain significance. Last evaluated: 2024-08-12. Review status: criteria provided, single submitter. Criteria: Invitae Variant Classification Sherloc (09022015). Collection method: clinical testing. Allele origin: germline.
Comment: This sequence change replaces aspartic acid, which is acidic and polar, with asparagine, which is neutral and polar, at codon 421 of the RBFOX2 protein (p.Asp421Asn). This variant is present in population databases (rs771797500, gnomAD 0.0009%). This variant has not been reported in the literature in individuals affected with RBFOX2-related conditions. An algorithm developed to predict the effect of missense changes on protein structure and function (PolyPhen-2) suggests that this variant is likely to be disruptive. In summary, the available evidence is currently insufficient to determine the role of this variant in disease. Therefore, it has been classified as a Variant of Uncertain Significance.

NM_001349999.2(RBFOX2):c.1249G>A (p.Asp417Asn)

Gene: RBFOX2 (RNA binding fox-1 homolog 2; minus strand). Cytogenetic location: 22q12.3.
Variant type: single nucleotide variant.
Coding change: c.1249G>A on transcript NM_001349999.2 (MANE Select); coding-DNA position 1249, G replaced by A.
Protein change: p.Asp417Asn; replaces aspartic acid 417 with asparagine.
Molecular consequence: missense variant. On other transcripts: synonymous variant (12).
Genome position (GRCh38, 1-based): chr22:35,745,973, C>T on the plus strand (G>A on the coding strand, the complement: RBFOX2 is on the minus strand). VCF-style: chr22-35745973-C-T. GRCh37 (hg19) VCF-style: chr22-36142020-C-T.
Other names: c.1008G>A, p.Pro336= (NM_001082577.3); c.1261G>A, p.Asp421Asn (NM_001082578.4); c.1258G>A, p.Asp420Asn (NM_001082579.3); c.1134G>A, p.Pro378= (NM_001349982.2); c.1068G>A, p.Pro356= (NM_001349983.2); c.1114G>A, p.Asp372Asn (NM_001349989.2); c.1102G>A, p.Asp368Asn (NM_001349990.2, NM_001349996.2); c.1146G>A, p.Pro382= (NM_001349991.2); and 15 more; short protein forms D385N, D415N, D420N, D372N, D368N, D416N, D417N, D421N.
Identifiers: ClinVar variation 3633296 (VCV003633296.3).
Genomic context (GRCh38, chr22:35,745,973, plus strand): 5'-ATATACTTACCACAGCGCCAACTCCATAGCTAGCGGCAGGGGCAAGGGCATGGTAGGGGT[C>T]GGCTGTGTACACCCTGCCATAACTGGAAAGAAGAAACACAATCAGACAGATAAAGAAAAG-3'
Protein context (NP_001336928.2, residues 407-427): SDGYGRVYTA[Asp417Asn]PYHALAPAAS